The following is an entry in ClinVar:

ClinVar aggregate classification (germline): Likely pathogenic (1 of 4 stars; one submission).

Conditions:
Neurodevelopmental disorder with hypotonia and variable intellectual and behavioral abnormalities. Identifiers: MedGen C5231423, MONDO:0032829, OMIM 618603.

Submission:

Institute for Genomic Statistics and Bioinformatics, University Hospital Bonn
Classification: Likely pathogenic for Neurodevelopmental disorder with hypotonia and variable intellectual and behavioral abnormalities. Review status: criteria provided, single submitter. Criteria: ACMG Guidelines, 2015. Collection method: clinical testing. Allele origin: germline. Inheritance: Autosomal dominant inheritance. Affected: yes. Observed: 1 variant allele, 1 heterozygote.
Comment: ACMG classification: class 4 (PVS1, PM2)

NM_000937.5(POLR2A):c.1943C>A (p.Ser648Ter)

Gene: POLR2A (RNA polymerase II subunit A; plus strand). Cytogenetic location: 17p13.1.
Variant type: single nucleotide variant.
Coding change: c.1943C>A on transcript NM_000937.5 (MANE Select); coding-DNA position 1943, C replaced by A.
Protein change: p.Ser648Ter; replaces serine 648 with a stop codon.
Molecular consequence: nonsense.
Genome position (GRCh38, 1-based): chr17:7,501,001, C>A. VCF-style: chr17-7501001-C-A. GRCh37 (hg19) VCF-style: chr17-7404320-C-A.
Other names: short protein forms S648*.
Identifiers: ClinVar variation 997951 (VCV000997951.4), dbSNP rs2070581346, ClinGen allele CA397883476.
Genomic context (GRCh38, chr17:7,501,001, plus strand): 5'-TGGTGGTGGAGAATGGGGAGCTGATCATGGGCATCCTGTGTAAGAAGTCTCTGGGCACGT[C>A]AGCTGGCTCCCTGGTCCACATCTCCTACCTAGAGATGGGTCATGACATCACTCGCCTCTT-3'